The following is an entry in ClinVar:

NM_000138.5(FBN1):c.4588C>T (p.Arg1530Cys)

Gene: FBN1 (fibrillin 1; minus strand). Cytogenetic location: 15q21.1.
Variant type: single nucleotide variant.
Coding change: c.4588C>T on transcript NM_000138.5 (MANE Select); coding-DNA position 4588, C replaced by T.
Protein change: p.Arg1530Cys; replaces arginine 1530 with cysteine.
Molecular consequence: missense variant.
Genome position (GRCh38, 1-based): chr15:48,468,097, G>A on the plus strand (C>T on the coding strand, the complement: FBN1 is on the minus strand). VCF-style: chr15-48468097-G-A. GRCh37 (hg19) VCF-style: chr15-48760294-G-A.
Other names: NM_000138.4(FBN1):c.4588C>T(p.Arg1530Cys); short protein forms R1530C.
Identifiers: ClinVar variation 36078 (VCV000036078.137), dbSNP rs111401431, ClinGen allele CA015232.

ClinVar aggregate classification (germline): Pathogenic/Likely pathogenic. Review status: criteria provided, multiple submitters, no conflicts (2 of 4 stars). 20 submissions from 20 submitters: Pathogenic (15); Likely pathogenic (4). 1 of the submissions does not count toward it. Last evaluated 2025-03-16.

Conditions:
MASS syndrome (OCTD). Also called: MASS PHENOTYPE; OVERLAP CONNECTIVE TISSUE DISEASE. Identifiers: MedGen C1858556, MONDO:0011431, OMIM 604308.
Marfan syndrome (MFS). Also called: Marfan syndrome, classic; FBN1-Related Marfan Syndrome; Marfan syndrome type 1; Marfan's syndrome; MARFAN SYNDROME, TYPE I. Identifiers: Orphanet 284963, Orphanet 558, MedGen C0024796, MONDO:0007947, OMIM 154700.
Progeroid and marfanoid aspect-lipodystrophy syndrome. Also called: MARFANOID-PROGEROID-LIPODYSTROPHY SYNDROME; MARFANOID-PROGEROID SYNDROME; MARFAN-PROGEROID-LIPODYSTROPHY SYNDROME; Marfan lipodystrophy syndrome. Identifiers: Orphanet 300382, MedGen C4310796, MONDO:0014831, OMIM 616914.
Acromicric dysplasia (ACMICD). Also called: Acromicric skeletal dysplasia. Identifiers: Orphanet 969, MedGen C0265287, MONDO:0007055, OMIM 102370.
Stiff skin syndrome (SSKS). Identifiers: Orphanet 2833, MedGen C1861456, MONDO:0008492, OMIM 184900.
Geleophysic dysplasia 2 (GPHYSD2). Identifiers: Orphanet 2623, MedGen C3280054, MONDO:0013612, OMIM 614185.
Weill-Marchesani syndrome 2, dominant. Also called: Weill-Marchesani Syndrome, Autosomal Dominant; FBN1-Related Weill-Marchesani Syndrome. Identifiers: Orphanet 2084, MedGen C1869115, MONDO:0012013, OMIM 608328.
Ectopia lentis 1, isolated, autosomal dominant (ECTOL1). Identifiers: Orphanet 1885, MedGen C3541518, MONDO:0007514, OMIM 129600.
Cardiovascular phenotype. Identifiers: MedGen CN230736.
Marfan Syndrome/Loeys-Dietz Syndrome/Familial Thoracic Aortic Aneurysms and Dissections. Identifiers: MedGen CN229799.
Familial thoracic aortic aneurysm and aortic dissection (TAAD). Also called: Thoracic aortic aneurysms and dissections. Identifiers: Orphanet 91387, MedGen C4707243, MONDO:0019625.
FBN1-related disorder. Also called: FBN1-related disorders.

Allele frequency attached by ClinVar (database versions not stated): gnomAD exomes below 0.00001.

Submissions 1 to 9 of 20:

Labcorp Genetics (formerly Invitae), Labcorp
Classification: Pathogenic for Marfan syndrome; Familial thoracic aortic aneurysm and aortic dissection. Last evaluated: 2025-03-16. Review status: criteria provided, single submitter. Criteria: Invitae Variant Classification Sherloc (09022015). Collection method: clinical testing. Allele origin: germline.
Comment: This sequence change replaces arginine, which is basic and polar, with cysteine, which is neutral and slightly polar, at codon 1530 of the FBN1 protein (p.Arg1530Cys). This variant is not present in population databases (gnomAD no frequency). This missense change has been observed in individuals with Marfan syndrome (PMID: 11700157, 14695540, 17253931, 17627385, 17663468, 17679947, 19863550). It has also been observed to segregate with disease in related individuals. ClinVar contains an entry for this variant (Variation ID: 36078). Invitae Evidence Modeling of protein sequence and biophysical properties (such as structural, functional, and spatial information, amino acid conservation, physicochemical variation, residue mobility, and thermodynamic stability) indicates that this missense variant is expected to disrupt FBN1 protein function with a positive predictive value of 95%. For these reasons, this variant has been classified as Pathogenic.

Molecular Diagnostic Laboratory for Inherited Cardiovascular Disease, Montreal Heart Institute
Classification: Pathogenic for Cardiovascular phenotype. Last evaluated: 2025-03-03. Review status: criteria provided, single submitter. Criteria: ACMG Guidelines, 2015. Collection method: clinical testing. Allele origin: germline. Affected: yes.
Comment: PS4, PM2, PP1_mod, PP2, PP3, PP4

Laboratory of Genetics, Children's Clinical University Hospital Latvia
Classification: Pathogenic. Last evaluated: 2025-02-16. Review status: criteria provided, single submitter. Criteria: ACMG Guidelines, 2015. Collection method: clinical testing. Allele origin: germline. Affected: yes.

All of Us Research Program, National Institutes of Health
Classification: Pathogenic for Marfan syndrome. Last evaluated: 2024-07-31. Review status: criteria provided, single submitter. Criteria: ACMG Guidelines, 2015. Collection method: clinical testing. Allele origin: germline. Inheritance: Autosomal dominant inheritance. Observed: 1 variant allele, 1 heterozygote.
Comment: This missense variant replaces arginine with cysteine at codon 1530 in a TGFbeta-like domain of the FBN1 protein. Computational prediction tools indicate that this variant has a deleterious impact on protein structure and function. Cysteine creating variants in cbEGF-like and TGFbeta-like domains have been shown to affect protein stability and are overrepresented among patients with Marfan syndrome (PMID: 15161917, 16571647, 17701892). To our knowledge, functional studies have not been reported for this variant. This variant has been reported in more than 10 individuals affected with Marfan syndrome (PMID: 17663468, 19863550, 22772377, 24161884, 24793577, 25907466, 28941062, 29198452, 29357934, 30393980, 30838813, 31730815, 31825148) and in multiple individuals affected with ectopia lentis (PMID: 11700157, 14695540, 17679947, 19941982, 20564469, 24698609, 31098894, 36729443, 38190127). It has also been reported in multiple individuals suspected to be affected with Marfan syndrome (PMID: 17253931, 17627385, 25652356, 29768367, 31536524) and in one individual affected with thoracic aortic aneurysm (PMID: 28550590). It has been shown that this variant segregates with disease in multiple affected individuals across multiple families (PMID: 17663468, 17679947, 19941982, 29357934, 36729443). This variant has not been identified in the general population by the Genome Aggregation Database (gnomAD). Based on the available evidence, this variant is classified as Pathogenic.

This study involves interpretation of variants in research participants for the purpose of population health screening. Participant phenotype was not available at the time of variant classification. Additional details can be found in publication PMID: 35346344, PMCID: PMC8962531

Mayo Clinic Laboratories, Mayo Clinic
Classification: Pathogenic. Last evaluated: 2023-10-30. Review status: criteria provided, single submitter. Criteria: ACMG Guidelines, 2015. Collection method: clinical testing. Allele origin: germline. Observed: 2 variant alleles.
Comment: PP1_moderate, PP3, PM1, PM2, PM6, PS4

Clinical Genetics Laboratory, Skane University Hospital Lund
Classification: Likely pathogenic. Last evaluated: 2023-07-26. Review status: criteria provided, single submitter. Criteria: ACMG Guidelines, 2015. Collection method: clinical testing. Allele origin: germline. Affected: yes.

GeneDx
Classification: Pathogenic. Last evaluated: 2023-06-26. Review status: criteria provided, single submitter. Criteria: GeneDx Variant Classification Process June 2021. Collection method: clinical testing. Allele origin: germline. Affected: yes.
Comment: Identified in a patient with bilateral ectopia lentis (Cappuccio et al., 2022); this patient was also hemizygous for a variant in the RPL10 gene and had a history of severe intellectual disability, dysmorphic features, retinitis pigmentosa and cryptorchidism; Not observed at significant frequency in large population cohorts (gnomAD); In silico analysis supports that this missense variant has a deleterious effect on protein structure/function; This variant is associated with the following publications: (PMID: 24698609, 23794388, 20021881, 17679947, 17627385, 20564469, 16971892, 15054843, 19941982, 22772377, 27647783, 17663468, 14695540, 17253931, 11700157, 19863550, 29768367, 29198452, 30838813, 31098894, 29357934, 31536524, 31825148, 31730815, 34818515, 24161884, 35058154, 35876338)

PreventionGenetics, part of Exact Sciences
Classification: Pathogenic for FBN1-related condition. Last evaluated: 2023-05-02. Review status: criteria provided, single submitter. Criteria: ACMG Guidelines, 2015. Collection method: clinical testing. Allele origin: germline.
Comment: The FBN1 c.4588C>T variant is predicted to result in the amino acid substitution p.Arg1530Cys. This variant has been reported in multiple individuals with ectopia lentis, and in some cases was determined to have arisen de novo (see for examples Loeys et al. 2001. PubMed ID: 11700157; Khan et al. 2014. PubMed ID: 24698609; Li et al. 2019. PubMed ID: 31098894). This variant has not been reported in a large population database, indicating this variant is rare. Given the evidence, we interpret c.4588C>T (p.Arg1530Cys) as pathogenic.

Women's Health and Genetics/Laboratory Corporation of America, LabCorp
Classification: Pathogenic for Marfan Syndrome/Loeys-Dietz Syndrome/Familial Thoracic Aortic Aneurysms and Dissections. Last evaluated: 2022-05-24. Review status: criteria provided, single submitter. Criteria: LabCorp Variant Classification Summary - May 2015. Collection method: clinical testing. Allele origin: germline.
Comment: Variant summary: FBN1 c.4588C>T (p.Arg1530Cys) results in a non-conservative amino acid change in the encoded protein sequence. Five of five in-silico tools predict a damaging effect of the variant on protein function. The variant was absent in 251128 control chromosomes. c.4588C>T has been reported in the literature in multiple individuals affected with Marfan Syndrome and the variant has been shown to segregate with disease (eg. Loeys_2001, Biggin_2004, Tjeldhorn_2006, Jin_2007, Howarth_2007, etc). These data indicate that the variant is very likely to be associated with disease. Ten clinical diagnostic laboratories have submitted clinical-significance assessments for this variant to ClinVar after 2014 without evidence for independent evaluation. All laboratories classified the variant as pathogenic/likely pathogenic. Based on the evidence outlined above, the variant was classified as pathogenic.